The following is an entry in ClinVar:

NM_001378183.1(PIEZO2):c.8082-8A>G

Gene: PIEZO2 (piezo type mechanosensitive ion channel component 2; minus strand). Cytogenetic location: 18p11.22.
Variant type: single nucleotide variant.
Coding change: c.8082-8A>G on transcript NM_001378183.1 (MANE Select); 8 bases into the intron before coding-DNA position 8082, A replaced by G.
Molecular consequence: intron variant.
Genome position (GRCh38, 1-based): chr18:10,675,296, T>C on the plus strand (A>G on the coding strand, the complement: PIEZO2 is on the minus strand). VCF-style: chr18-10675296-T-C. GRCh37 (hg19) VCF-style: chr18-10675293-T-C.
Other names: c.7743-8A>G (NM_022068.4); c.7818-8A>G (NM_001410871.1).
Identifiers: ClinVar variation 3903372 (VCV003903372.1).

ClinVar aggregate classification (germline): Uncertain significance (1 of 4 stars; one submission).

Submission:

GeneDx
Classification: Uncertain significance. Last evaluated: 2024-12-12. Review status: criteria provided, single submitter. Criteria: GeneDx Variant Classification Process June 2021. Collection method: clinical testing. Allele origin: germline. Affected: yes.
Comment: Not observed at significant frequency in large population cohorts (gnomAD); In silico analysis supports a deleterious effect on splicing; Has not been previously published as pathogenic or benign to our knowledge